The following is an entry in ClinVar:

NM_000484.4(APP):c.1072G>C (p.Ala358Pro)

Gene: APP (amyloid beta precursor protein; minus strand). Cytogenetic location: 21q21.3.
Variant type: single nucleotide variant.
Coding change: c.1072G>C on transcript NM_000484.4 (MANE Select); coding-DNA position 1072, G replaced by C.
Protein change: p.Ala358Pro; replaces alanine 358 with proline.
Molecular consequence: missense variant. On other transcripts: intron variant (7).
Genome position (GRCh38, 1-based): chr21:25,997,378, C>G on the plus strand (G>C on the coding strand, the complement: APP is on the minus strand). VCF-style: chr21-25997378-C-G. GRCh37 (hg19) VCF-style: chr21-27369693-C-G.
Other names: c.904G>C, p.Ala302Pro (NM_001136130.3, NM_001385253.1); c.1072G>C, p.Ala358Pro (NM_001204301.2); c.761-14901G>C (NM_001136131.3); c.698-14901G>C (NM_001136129.3); c.866-14901G>C (NM_001204303.2, NM_201414.3); c.1033+2637G>C (NM_001204302.2, NM_201413.3); c.1018+2637G>C (NM_001136016.3); short protein forms A302P, A358P.
Identifiers: ClinVar variation 1400176 (VCV001400176.6), dbSNP rs1008281141, ClinGen allele CA409810816.
Genomic context (GRCh38, chr21:25,997,378, plus strand): 5'-CCTCCTCCCCTCTTCCCTTCCCTCAGGTGAATGACAACGTACGTTTAACAGGATCTCGGG[C>G]AAGAGGTTCCTGGGTAGTCTTGAGTAAACTTTGGGACACTATGGAAAAAATAAGAGAACA-3'
Protein context (NP_000475.1, residues 348-368): SLLKTTQEPL[Ala358Pro]RDPVKLPTTA

ClinVar aggregate classification (germline): Uncertain significance (1 of 4 stars; one submission).

Conditions:
Alzheimer disease. Also called: Alzheimer's disease; Presenile and senile dementia. Identifiers: Orphanet 1020, MedGen C0002395, MeSH D000544, MONDO:0004975, HP:0002511.

gnomAD v4.1: 2 of 1,613,904 alleles (0.00012%); highest among the groups gnomAD compares: Non-Finnish European, 0.00017%; no homozygotes.

Submission:

Labcorp Genetics (formerly Invitae), Labcorp
Classification: Uncertain significance for Alzheimer disease. Last evaluated: 2025-08-03. Review status: criteria provided, single submitter. Criteria: Invitae Variant Classification Sherloc (09022015). Collection method: clinical testing. Allele origin: germline.
Comment: This sequence change replaces alanine, which is neutral and non-polar, with proline, which is neutral and non-polar, at codon 358 of the APP protein (p.Ala358Pro). This variant is not present in population databases (gnomAD no frequency). This variant has not been reported in the literature in individuals affected with APP-related conditions. ClinVar contains an entry for this variant (Variation ID: 1400176). Invitae Evidence Modeling of protein sequence and biophysical properties (such as structural, functional, and spatial information, amino acid conservation, physicochemical variation, residue mobility, and thermodynamic stability) indicates that this missense variant is not expected to disrupt APP protein function with a negative predictive value of 95%. In summary, the available evidence is currently insufficient to determine the role of this variant in disease. Therefore, it has been classified as a Variant of Uncertain Significance.